The following is an entry in ClinVar:

NM_006904.7(PRKDC):c.4475C>A (p.Ala1492Asp)

Gene: PRKDC (protein kinase, DNA-activated, catalytic subunit; minus strand). Cytogenetic location: 8q11.21.
Variant type: single nucleotide variant.
Coding change: c.4475C>A on transcript NM_006904.7 (MANE Select); coding-DNA position 4475, C replaced by A.
Protein change: p.Ala1492Asp; replaces alanine 1492 with aspartic acid.
Molecular consequence: missense variant.
Genome position (GRCh38, 1-based): chr8:47,887,644, G>T on the plus strand (C>A on the coding strand, the complement: PRKDC is on the minus strand). VCF-style: chr8-47887644-G-T. GRCh37 (hg19) VCF-style: chr8-48800205-G-T.
Other names: c.4475C>A, p.Ala1492Asp (NM_001081640.2); short protein forms A1492D.
Identifiers: ClinVar variation 1740850 (VCV001740850.2), dbSNP rs530842546, ClinGen allele CA4740889.
Genomic context (GRCh38, chr8:47,887,644, plus strand): 5'-CTGGCCAGCTGCTTACAACTGAGGTCTAGAGAAGGCAGACACTGTCTCTCATCTCCAGGG[G>T]CAATGCCTTTATAAACCAGGGAAAGAAGTTCTGTGCCAACAGAATGATGCAAATCTGTGG-3'
Protein context (NP_008835.5, residues 1482-1502): ELLSLVYKGI[Ala1492Asp]PGDERQCLPS

ClinVar aggregate classification (germline): Uncertain significance (1 of 4 stars; one submission).

Allele frequency attached by ClinVar (database versions not stated): ExAC 0.00001; gnomAD 0.00001; 1000 Genomes Project 30x 0.00016; 1000 Genomes Project 0.00020.
gnomAD v4.1: 2 of 1,608,654 alleles (0.00012%); highest among the groups gnomAD compares: South Asian, 0.0022%; no homozygotes.

Submission:

Ambry Genetics
Classification: Uncertain significance. Last evaluated: 2022-10-20. Review status: criteria provided, single submitter. Criteria: Ambry Variant Classification Scheme 2023. Collection method: clinical testing. Allele origin: germline.
Comment: The p.A1492D variant (also known as c.4475C>A), located in coding exon 35 of the PRKDC gene, results from a C to A substitution at nucleotide position 4475. The alanine at codon 1492 is replaced by aspartic acid, an amino acid with dissimilar properties. This amino acid position is conserved. Since supporting evidence is limited at this time, the clinical significance of this alteration remains unclear.